The following is an entry in ClinVar:

NM_001377.3(DYNC2H1):c.3262dup (p.Ile1088fs)

Gene: DYNC2H1 (dynein cytoplasmic 2 heavy chain 1; plus strand). Cytogenetic location: 11q22.3.
Variant type: Duplication.
Coding change: c.3262dup on transcript NM_001377.3 (MANE Select); coding-DNA position 3262, one base duplicated (A; older notation c.3262dupA).
Protein change: p.Ile1088fs; shifts the reading frame from isoleucine 1088.
Molecular consequence: frameshift variant.
Genome position (GRCh38, 1-based): chr11:103,153,468, A duplicated; the last of 7 consecutive A bases (chr11:103,153,462-103,153,468); duplicating any one gives the same sequence. VCF-style (leftmost placement, unchanged base first): chr11-103153461-G-GA. GRCh37 (hg19) VCF-style: chr11-103024190-G-GA.
Other names: c.3262dupA (NM_001080463.1); c.3262dup, p.Ile1088fs (NM_001080463.2); c.3262dup (NM_001080463.1); short protein forms I1088fs.
Identifiers: ClinVar variation 667370 (VCV000667370.12), dbSNP rs767206815, ClinGen allele CA6253279.

ClinVar aggregate classification (germline): Pathogenic/Likely pathogenic. Review status: criteria provided, multiple submitters, no conflicts (2 of 4 stars). 6 submissions from 6 submitters: Pathogenic (3); Likely pathogenic (3). Last evaluated 2025-09-18.

Conditions:
Jeune thoracic dystrophy. Also called: Short-rib thoracic dysplasia; Jeune syndrome; Infantile thoracic dystrophy; Thoracic pelvic phalangeal dystrophy; Jeune's syndrome; Chondroectodermal dysplasia-like syndrome. Identifiers: Orphanet 474, MedGen C0265275, MONDO:0018770.
Asphyxiating thoracic dystrophy 3. Also called: SHORT-RIB THORACIC DYSPLASIA 3 WITH OR WITHOUT POLYDACTYLY; POLYDACTYLY WITH NEONATAL CHONDRODYSTROPHY, TYPE I; SHORT-RIB THORACIC DYSPLASIA 3/6 WITH POLYDACTYLY, DIGENIC; Short rib polydactyly syndrome 2B; Saldino-Noonan Syndrome. Identifiers: Orphanet 474, Orphanet 93269, Orphanet 93270, Orphanet 93271, MedGen C0036069, MONDO:0013127, OMIM 613091.
DYNC2H1-related disorder. Also called: DYNC2H1-related disorders; DYNC2H1-related condition. Identifiers: MedGen CN378770.
Short rib-polydactyly syndrome. Identifiers: Orphanet 1505, MedGen C0036996, MONDO:0015461.

Submissions (6):

Myriad Genetics, Inc.
Classification: Pathogenic for Asphyxiating thoracic dystrophy 3. Last evaluated: 2025-09-18. Review status: criteria provided, single submitter. Criteria: Myriad Autosomal Dominant, Autosomal Recessive and X-Linked Classification Criteria (2023). Collection method: clinical testing. Allele origin: unknown.
Comment: NM_001377.2(DYNC2H1):c.3262dupA(I1088Nfs*2) is a frameshift variant classified as pathogenic in the context of DYNC2H1-related disorders. I1088Nfs*2 has not been observed in cases with relevant disease. Relevant functional assessments of this variant are not available in the literature. I1088Nfs*2 has been observed in referenced population frequency databases. In summary, NM_001377.2(DYNC2H1):c.3262dupA(I1088Nfs*2) is a frameshift variant in a gene where loss of function is a known mechanism of disease and is predicted to disrupt protein function. Please note: this variant was assessed in the context of healthy population screening.

Labcorp Genetics (formerly Invitae), Labcorp
Classification: Pathogenic for Jeune thoracic dystrophy. Last evaluated: 2024-10-28. Review status: criteria provided, single submitter. Criteria: Invitae Variant Classification Sherloc (09022015). Collection method: clinical testing. Allele origin: germline.
Comment: This sequence change creates a premature translational stop signal (p.Ile1088Asnfs*2) in the DYNC2H1 gene. It is expected to result in an absent or disrupted protein product. Loss-of-function variants in DYNC2H1 are known to be pathogenic (PMID: 23339108, 32753734, 33755199). The frequency data for this variant in the population databases is considered unreliable, as metrics indicate poor data quality at this position in the gnomAD database. This variant has not been reported in the literature in individuals affected with DYNC2H1-related conditions. ClinVar contains an entry for this variant (Variation ID: 667370). Algorithms developed to predict the effect of sequence changes on RNA splicing suggest that this variant may disrupt the consensus splice site. For these reasons, this variant has been classified as Pathogenic.

Fulgent Genetics
Classification: Pathogenic for Asphyxiating thoracic dystrophy 3. Last evaluated: 2024-01-15. Review status: criteria provided, single submitter. Criteria: ACMG Guidelines, 2015. Collection method: clinical testing. Allele origin: germline.

GeneDx
Classification: Likely pathogenic. Last evaluated: 2023-04-11. Review status: criteria provided, single submitter. Criteria: GeneDx Variant Classification Process June 2021. Collection method: clinical testing. Allele origin: germline. Affected: yes.
Comment: Frameshift variant predicted to result in protein truncation or nonsense mediated decay in a gene for which loss of function is a known mechanism of disease; Not observed at significant frequency in large population cohorts (gnomAD); Reported as carrier status in a newborn genomic sequencing study (Ceyhan-Birsoy et al., 2019); This variant is associated with the following publications: (PMID: 30609409)

Blueprint Genetics
Classification: Likely pathogenic for DYNC2H1-related disorders. Last evaluated: 2019-02-04. Review status: criteria provided, single submitter. Criteria: ACMG Guidelines, 2015. Collection method: clinical testing. Allele origin: germline. Affected: yes. Observed: 1 variant allele.

Laboratory for Molecular Medicine, Mass General Brigham Personalized Medicine
Classification: Likely pathogenic for Short rib-polydactyly syndrome. Last evaluated: 2018-01-24. Review status: criteria provided, single submitter. Criteria: LMM Criteria. Collection method: clinical testing. Allele origin: germline. Inheritance: Autosomal recessive inheritance. Observed: 1 variant allele.
Comment: The p.Ile1088AsnfsX2 (NM_001080463.1 c.3262dupA) variant in DYNC2H1 has not been previously reported in the literature, but has been identified in 1/11088 Afric an chromosomes by the Genome Aggregation Database (. org; dbSNP rs767206815). This variant is predicted to cause a frameshift, which alters the protein?s amino acid sequence beginning at position 1088 and leads to a premature termination codon 2 amino acids downstream. This alteration is then predicted to lead to a truncated or absent protein. Biallelic loss of function of the DYNC2H1 gene has been associated with short-rib thoracic dysplasia with o r without polydactyly. In summary, although additional studies are required to f ully establish its clinical significance, the p.Ile1088AsnfsX2 variant is likely pathogenic for short-rib thoracic dysplasia with or without polydactyly in an a utosomal recessive manner based on its predicted impact on the protein. ACMG/AMP Criteria applied: PVS1, PM2 (Richards 2015).

Literature cited by the submitters: PubMed 23339108 (cited by Labcorp Genetics (formerly Invitae), Labcorp); PubMed 32753734 (cited by Labcorp Genetics (formerly Invitae), Labcorp); PubMed 33755199 (cited by Labcorp Genetics (formerly Invitae), Labcorp).